The following is an entry in ClinVar:

ClinVar aggregate classification (germline): Uncertain significance (1 of 4 stars; one submission).

Submission:

CeGaT Center for Human Genetics Tuebingen
Classification: Uncertain significance. Last evaluated: 2025-01-01. Review status: criteria provided, single submitter. Criteria: CeGaT Center For Human Genetics Tuebingen Variant Classification Criteria Version 2. Collection method: clinical testing. Allele origin: germline. Affected: yes. Observed: 1 variant allele.
Comment: GAL: PM2, PP3

NM_015973.5(GAL):c.81+2T>A

Gene: GAL (galanin and GMAP prepropeptide; plus strand). Cytogenetic location: 11q13.2.
Variant type: single nucleotide variant.
Coding change: c.81+2T>A on transcript NM_015973.5 (MANE Select); the canonical splice donor site of the intron after coding-DNA position 81, T replaced by A.
Molecular consequence: splice donor variant.
Genome position (GRCh38, 1-based): chr11:68,685,006, T>A. VCF-style: chr11-68685006-T-A. GRCh37 (hg19) VCF-style: chr11-68452474-T-A.
Identifiers: ClinVar variation 3772248 (VCV003772248.13).